The following continues an entry in ClinVar:

NM_019597.5(HNRNPH2):c.616C>T (p.Arg206Trp)

ClinVar aggregate classification (germline): Pathogenic/Likely pathogenic. Pathogenic (26); Likely pathogenic (1).

Submissions 12 to 27 of 34:

Johns Hopkins Genomics, Johns Hopkins University
Classification: Pathogenic for Intellectual developmental disorder, X-linked, syndromic, Bain type. Last evaluated: 2022-02-18. Review status: criteria provided, single submitter. Criteria: ACMG Guidelines, 2015. Collection method: clinical testing. Allele origin: germline.
Comment: This HNRNPH2 variant (rs886039763) is absent from a large population dataset and has been reported in ClinVar. It is the most frequent, recurrent de novo variant identified in individuals with X-linked HNRNPH2-related neurodevelopmental disorder. In addition, another pathogenic missense variant affecting the same codon (p.Arg206Gln) has been reported. Of three bioinformatics tools queried, two predict that the substitution would be damaging, while another predicts that it would be tolerated. The arginine residue at this position is evolutionarily conserved across most vertebrate species assessed. This variant is not predicted to affect normal exon 2 splicing, although this has not been confirmed experimentally to our knowledge. We consider this variant to be pathogenic.

CENTOGENE GmbH and LLC - Guiding Precision Medicine
Classification: Pathogenic for Intellectual developmental disorder, X-linked, syndromic, Bain type. Last evaluated: 2021-11-09. Review status: criteria provided, single submitter. Criteria: ACMG Guidelines, 2015. Collection method: clinical testing. Allele origin: de novo. Affected: yes.

Greenwood Genetic Center Diagnostic Laboratories, Greenwood Genetic Center
Classification: Pathogenic for Intellectual developmental disorder, X-linked, syndromic, Bain type. Last evaluated: 2021-10-20. Review status: criteria provided, single submitter. Criteria: ACMG Guidelines, 2015. Collection method: clinical testing. Allele origin: germline. Affected: yes.
Comment: PS2, PM2, PS4

Laboratory of Medical Genetics, National & Kapodistrian University of Athens
Classification: Pathogenic for Intellectual developmental disorder, X-linked, syndromic, Bain type. Last evaluated: 2021-10-01. Review status: criteria provided, single submitter. Criteria: ACMG Guidelines, 2015. Collection method: clinical testing. Allele origin: unknown. Affected: yes.
Comment: PM2, PM5, PP3, PP5

Institute of Medical Genetics and Applied Genomics, University Hospital Tübingen
Classification: Pathogenic. Last evaluated: 2020-10-23. Review status: criteria provided, single submitter. Criteria: ACMG Guidelines, 2015. Collection method: clinical testing. Allele origin: germline. Inheritance: Unknown mechanism. Affected: yes.

Breda Genetics srl
Classification: Pathogenic for Intellectual developmental disorder, X-linked, syndromic, Bain type. Last evaluated: 2020-10-22. Review status: criteria provided, single submitter. Criteria: ACMG Guidelines, 2015. Collection method: clinical testing. Allele origin: germline. Inheritance: X-linked dominant inheritance. Affected: yes. Observed: 1 variant allele, 1 heterozygote.
Comment: The varinat c.616C>T (p.Arg206Trp) in the HNRNPH2 gene is reported as pathogenic/likely pathogenic for Bain type of X-linked syndromic mental retardation in ClinVar (Variation ID: 225760) and as pathogenic in the Global Variome shared LOVD database v.3.0. There is no information on frequency in gnomAD, 1000 Genomes or NHLI Exome Sequencing Project (ESP). This variant has been reported as pathogenic by Somashekar et al., 2019 (PMID: 31670473) and Bain et al., 2016 (PMID: 27545675).

Institute of Human Genetics, University of Leipzig Medical Center
Classification: Pathogenic for Intellectual developmental disorder, X-linked, syndromic, Bain type. Last evaluated: 2020-06-01. Review status: criteria provided, single submitter. Criteria: ACMG Guidelines, 2015. Collection method: clinical testing. Allele origin: de novo. Inheritance: X-linked inheritance. Affected: yes.
Comment: PS2_VeryStrong, PM2

Victorian Clinical Genetics Services, Murdoch Childrens Research Institute
Classification: Pathogenic for Intellectual developmental disorder, X-linked, syndromic, Bain type. Last evaluated: 2020-05-25. Review status: criteria provided, single submitter. Criteria: ACMG Guidelines, 2015. Collection method: clinical testing. Allele origin: germline. Inheritance: X-linked inheritance. Affected: yes.
Comment: Based on the classification scheme VCGS_Germline_v1.1.1, this variant is classified as Pathogenic. Following criteria are met: 0101 - Gain-of-function is a known mechanism of disease for this gene. (N) 0110 - This gene is known to be associated with X-linked dominant disease. (N) 0200 - Variant is predicted to result in a missense amino acid change from arginine to tryptophan (exon2). (N) 0251 - Variant is heterozygous. (N) 0301 - Variant is absent from gnomAD. (P) 0502 - Missense variant with conflicting in-silico predictions and/or uninformative conservation. (N) 0602 - Variant is located in a hotspot region or cluster of pathogenic variants (missense hotpost within the nuclear localization sequence; PMID: 27545675). (P) 0702 - Comparable variants have strong previous evidence for pathogenicity. A different variant in the same codon resulting in a change to a glutamine has also been reported as pathogenic (ClinVar, PMID: 27545675, 30887513). (P) 0801 - Strong previous evidence of pathogenicity in unrelated individuals. This variant has been previously reported as pathogenic in multiple patients (ClinVar, PMID: 27545675, 31236915). (P) 1208 - Inheritance information for this variant is not currently available. (N) Legend: (P) - Pathogenic, (N) - Neutral, (B) - Benign

Laboratory for Molecular Medicine, Mass General Brigham Personalized Medicine
Classification: Pathogenic for Neurodevelopmental disorder. Last evaluated: 2019-06-05. Review status: criteria provided, single submitter. Criteria: LMM Criteria. Collection method: clinical testing. Allele origin: germline. Inheritance: X-linked inheritance. Observed: 1 variant allele.
Comment: The c.616C>T (p.Arg206Trp) variant in HNRNPH2 has been reported as de novo by whole exome sequencing in 19 individuals with a neurodevelopmental disorder consisting of developmental delay and variable presentation of regression, autism, tone abnormalities, seizures and/or psychiatric co-morbidities such as ADHD, anxiety, and OCD (Bain et al. 2019). It was absent from large population studies and has been reported in ClinVar (Variation ID 225760). Additionally, another missense variant at this same codon, p.Arg206Gln, has also been reported as de novo in at least two individuals with a neurodevelopmental disorder (Bain et al. 2019, Harmsen et al. 2019) and has been reported in ClinVar (Variation ID 225761). The majority of affected individuals are female. The variant occurs in a region of the protein that is critical for protein function and has been frequently altered in diseased individuals (Van Dusen et al. 2010, Bain et al. 2019). Lastly, computational prediction tools and conservation analysis support that the variant impacts protein function. In summary, this variant meets criteria to be classified as pathogenic for neurodevelopmental disorder in an X-linked dominant manner based upon case counts, de novo occurrence, a different pathogenic missense at the same position, and location at a critical residue, and predicted impact on protein. ACMG/AMP Criteria applied: PS2_VeryStrong, PM2, PM5, PM1, PP3.

Mendelics
Classification: Pathogenic for Intellectual developmental disorder, X-linked, syndromic, Bain type. Last evaluated: 2019-05-28. Review status: criteria provided, single submitter. Criteria: Mendelics Assertion Criteria 2017. Collection method: clinical testing. Allele origin: unknown.

Institute of Human Genetics Munich, TUM University Hospital
Classification: Pathogenic for Intellectual developmental disorder, X-linked, syndromic, Bain type. Last evaluated: 2017-11-16. Review status: criteria provided, single submitter. Criteria: Classification criteria August 2017. Collection method: clinical testing. Allele origin: de novo. Inheritance: X-linked inheritance. Affected: yes. Observed: 1 heterozygote.

Centre de Biologie Pathologie Génétique, Centre Hospitalier Universitaire de Lille
Classification: Pathogenic for Neurodevelopmental delay. Review status: criteria provided, single submitter. Criteria: ACMG Guidelines, 2015. Collection method: clinical testing. Allele origin: de novo. Affected: yes.

Genomic Medicine Lab, University of California San Francisco
Classification: Pathogenic for Motor stereotypies; Abnormal facial shape. Review status: criteria provided, single submitter. Criteria: ACMG Guidelines, 2015. Collection method: clinical testing. Allele origin: de novo. Study: CSER.

Institute for Genomic Statistics and Bioinformatics, University Hospital Bonn
Classification: Pathogenic for Intellectual developmental disorder, X-linked, syndromic, Bain type. Review status: criteria provided, single submitter. Criteria: ACMG Guidelines, 2015. Collection method: clinical testing. Allele origin: de novo. Inheritance: X-linked dominant inheritance. Affected: yes.
Comment: PS1, PS2, PM1, PM2, PP2

Kasturba Medical College, Manipal, Kasturba Medical College, Manipal, Manipal Academy of Higher Education, Manipal, India
Classification: Likely pathogenic for Intellectual developmental disorder, X-linked, syndromic, Bain type. Review status: criteria provided, single submitter. Criteria: ACMG Guidelines, 2015. Collection method: research. Allele origin: inherited. Affected: yes.

Neuberg Centre For Genomic Medicine, NCGM
Classification: Pathogenic for Intellectual developmental disorder, X-linked, syndromic, Bain type. Review status: criteria provided, single submitter. Criteria: ACMG Guidelines, 2015. Collection method: clinical testing. Allele origin: germline. Inheritance: X-linked inheritance. Affected: yes.
Comment: The c.616C>T (p.Arg206Trp) variant in HNRNPH2 has been reported as de novo by whole exome sequencing in 19 individuals with a neurodevelopmental disorder consisting of developmental delay and variable presentation of regression, autism, tone abnormalities, seizures and/or psychiatric co-morbidities such as ADHD, anxiety, and OCD (Bain et al. 2019). The amino acid Arg at position 206 is changed to a Trp changing protein sequence and it might alter its composition and physico-chemical properties. The p.Arg206Trp variant is novel (not in any individuals) in gnomAD Exomes and 1000 Genomes. This variant has been reported to the ClinVar database as Pathogenic/Likely pathogenic. The variant occurs in a region of the protein that is critical for protein function and has been frequently altered in diseased individuals (Van Dusen et al. 2010). The variant is predicted to be damaging by SIFT and the residue is conserved across species. The amino acid change p.Arg206Trp in HNRNPH2 is predicted as conserved by GERP++ and PhyloP across 100 vertebrates. For these reasons, the variant is classified as pathogenic.